The following is an entry in ClinVar:

ClinVar aggregate classification (germline): Uncertain significance (1 of 4 stars; one submission).

Conditions:
Cardiovascular phenotype. Identifiers: MedGen CN230736.

Allele frequency attached by ClinVar (database versions not stated): ExAC 0.00001; gnomAD 0.00002; ESP Exome Variant Server 0.00008.
gnomAD v4.1: 5 of 1,611,340 alleles (0.00031%); highest among the groups gnomAD compares: African/African-American, 0.0067%; no homozygotes.

Submission:

Ambry Genetics
Classification: Uncertain significance for Cardiovascular phenotype. Last evaluated: 2023-06-01. Review status: criteria provided, single submitter. Criteria: Ambry Variant Classification Scheme 2023. Collection method: clinical testing. Allele origin: germline.
Comment: The p.F404L variant (also known as c.1212C>G), located in coding exon 11 of the PRDM5 gene, results from a C to G substitution at nucleotide position 1212. The phenylalanine at codon 404 is replaced by leucine, an amino acid with highly similar properties. This amino acid position is conserved. In addition, this alteration is predicted to be tolerated by in silico analysis. Since supporting evidence is limited at this time, the clinical significance of this alteration remains unclear.

NM_018699.4(PRDM5):c.1212C>G (p.Phe404Leu)

Gene: PRDM5 (PR/SET domain 5; minus strand). Cytogenetic location: 4q27.
Variant type: single nucleotide variant.
Coding change: c.1212C>G on transcript NM_018699.4 (MANE Select); coding-DNA position 1212, C replaced by G.
Protein change: p.Phe404Leu; replaces phenylalanine 404 with leucine.
Molecular consequence: missense variant.
Genome position (GRCh38, 1-based): chr4:120,785,068, G>C on the plus strand (C>G on the coding strand, the complement: PRDM5 is on the minus strand). VCF-style: chr4-120785068-G-C. GRCh37 (hg19) VCF-style: chr4-121706223-G-C.
Other names: c.1119C>G, p.Phe373Leu (NM_001300823.2, NM_001300824.2, NM_001379106.1); c.1245C>G, p.Phe415Leu (NM_001379104.1); short protein forms F373L, F415L, F404L.
Identifiers: ClinVar variation 2562030 (VCV002562030.2), dbSNP rs375961361, ClinGen allele CA3061112.